The following is an entry in ClinVar:

ClinVar aggregate classification (germline): Uncertain significance (1 of 4 stars; one submission).

Conditions:
Bethlem myopathy 1A. Also called: MYOPATHY, BENIGN CONGENITAL, WITH CONTRACTURES; Bethlem myopathy 1; Bethlem Muscular Dystrophy. Identifiers: Orphanet 610, MedGen CN029274, MONDO:0024530, OMIM 158810.

Allele frequency attached by ClinVar (database versions not stated): gnomAD 0.00001; TOPMed 0.00001.
gnomAD v4.1: 9 of 1,614,138 alleles (0.00056%); highest among the groups gnomAD compares: Admixed American, 0.0017%; no homozygotes.

Submission:

Labcorp Genetics (formerly Invitae), Labcorp
Classification: Uncertain significance for Bethlem myopathy 1A. Last evaluated: 2023-12-04. Review status: criteria provided, single submitter. Criteria: Invitae Variant Classification Sherloc (09022015). Collection method: clinical testing. Allele origin: germline.
Comment: This sequence change replaces serine, which is neutral and polar, with glycine, which is neutral and non-polar, at codon 668 of the COL6A3 protein (p.Ser668Gly). This variant is present in population databases (no rsID available, gnomAD 0.0009%). This variant has not been reported in the literature in individuals affected with COL6A3-related conditions. Advanced modeling of protein sequence and biophysical properties (such as structural, functional, and spatial information, amino acid conservation, physicochemical variation, residue mobility, and thermodynamic stability) performed at Invitae indicates that this missense variant is not expected to disrupt COL6A3 protein function with a negative predictive value of 95%. In summary, the available evidence is currently insufficient to determine the role of this variant in disease. Therefore, it has been classified as a Variant of Uncertain Significance.

NM_004369.4(COL6A3):c.2002A>G (p.Ser668Gly)

Gene: COL6A3 (collagen type VI alpha 3 chain; minus strand). Cytogenetic location: 2q37.3.
Variant type: single nucleotide variant.
Coding change: c.2002A>G on transcript NM_004369.4 (MANE Select); coding-DNA position 2002, A replaced by G.
Protein change: p.Ser668Gly; replaces serine 668 with glycine.
Molecular consequence: missense variant. On other transcripts: intron variant (1).
Genome position (GRCh38, 1-based): chr2:237,379,131, T>C on the plus strand (A>G on the coding strand, the complement: COL6A3 is on the minus strand). VCF-style: chr2-237379131-T-C. GRCh37 (hg19) VCF-style: chr2-238287774-T-C.
Other names: c.781A>G, p.Ser261Gly (NM_057164.5); c.1384A>G, p.Ser462Gly (NM_057165.5, NM_057167.4); c.676+1784A>G (NM_057166.5); short protein forms S261G, S668G, S462G.
Identifiers: ClinVar variation 2982519 (VCV002982519.3), dbSNP rs1195550832, ClinGen allele CA351215001.